The following is an entry in ClinVar:

ClinVar aggregate classification (germline): Conflicting classifications of pathogenicity. Review status: criteria provided, conflicting classifications (1 of 4 stars). 3 submissions from 3 submitters: Uncertain significance (2); Benign (1). Last evaluated 2025-09-09.

Conditions:
Hereditary cancer-predisposing syndrome. Also called: Tumor predisposition; Neoplastic Syndromes, Hereditary; Hereditary Cancer Syndrome; Hereditary neoplastic syndrome. Identifiers: Orphanet 140162, MedGen C0027672, MeSH D009386, MONDO:0015356.
Familial adenomatous polyposis 2. Also called: COLORECTAL ADENOMATOUS POLYPOSIS, AUTOSOMAL RECESSIVE; ADENOMAS, MULTIPLE COLORECTAL, AUTOSOMAL RECESSIVE; MYH-associated polyposis; MUTYH Polyposis; Adenomas, multiple colorectal; MUTYH-associated polyposis. Identifiers: Orphanet 220460, Orphanet 247798, MedGen C3272841, MONDO:0012041, OMIM 608456.

Allele frequency attached by ClinVar (database versions not stated): gnomAD exomes below 0.00001; TOPMed below 0.00001.

Submissions (3):

Ambry Genetics
Classification: Benign for Hereditary cancer-predisposing syndrome. Last evaluated: 2025-09-09. Review status: criteria provided, single submitter. Criteria: Ambry Variant Classification Scheme 2023. Collection method: clinical testing. Allele origin: germline.

Labcorp Genetics (formerly Invitae), Labcorp
Classification: Uncertain significance for Familial adenomatous polyposis 2. Last evaluated: 2022-11-01. Review status: criteria provided, single submitter. Criteria: Invitae Variant Classification Sherloc (09022015). Collection method: clinical testing. Allele origin: germline.
Comment: This variant has not been reported in the literature in individuals affected with MUTYH-related conditions. ClinVar contains an entry for this variant (Variation ID: 657519). Algorithms developed to predict the effect of missense changes on protein structure and function (SIFT, PolyPhen-2, Align-GVGD) all suggest that this variant is likely to be tolerated. In summary, the available evidence is currently insufficient to determine the role of this variant in disease. Therefore, it has been classified as a Variant of Uncertain Significance. This variant is not present in population databases (gnomAD no frequency). This sequence change replaces valine, which is neutral and non-polar, with isoleucine, which is neutral and non-polar, at codon 356 of the MUTYH protein (p.Val356Ile).

Color Diagnostics, LLC DBA Color Health
Classification: Uncertain significance for Hereditary cancer-predisposing syndrome. Last evaluated: 2019-06-13. Review status: criteria provided, single submitter. Criteria: ACMG Guidelines, 2015. Collection method: clinical testing. Allele origin: germline.

Literature cited by the submitters: PubMed 40738107 (cited by Ambry Genetics).

NM_001048174.2(MUTYH):c.982G>A (p.Val328Ile)

Gene: MUTYH (mutY DNA glycosylase; minus strand). Cytogenetic location: 1p34.1.
Variant type: single nucleotide variant.
Coding change: c.982G>A on transcript NM_001048174.2 (MANE Select); coding-DNA position 982, G replaced by A.
Protein change: p.Val328Ile; replaces valine 328 with isoleucine.
Molecular consequence: missense variant. On other transcripts: non-coding transcript variant (2).
Genome position (GRCh38, 1-based): chr1:45,331,781, C>T on the plus strand (G>A on the coding strand, the complement: MUTYH is on the minus strand). VCF-style: chr1-45331781-C-T. GRCh37 (hg19) VCF-style: chr1-45797453-C-T.
Other names: c.982G>A, p.Val328Ile (NM_001048171.2, NM_001048173.2, NM_001293195.2); c.985G>A, p.Val329Ile (NM_001048172.2); c.1066G>A, p.Val356Ile (NM_001128425.2); c.1027G>A, p.Val343Ile (NM_001293190.2); c.1015G>A, p.Val339Ile (NM_001293191.2); c.706G>A, p.Val236Ile (NM_001293192.2, NM_001293196.2); c.637G>A, p.Val213Ile (NM_001350650.2, NM_001350651.2); c.1057G>A, p.Val353Ile (NM_012222.3); short protein forms V213I, V328I, V343I, V236I, V329I, V339I, V353I, V356I.
Identifiers: ClinVar variation 657519 (VCV000657519.14), dbSNP rs966143902, ClinGen allele CA21836372.